The following is an entry in ClinVar:

ClinVar aggregate classification (germline): Likely benign. Review status: reviewed by expert panel (3 of 4 stars). 2 submissions from 2 submitters: Likely benign (1). 1 of the submissions does not count toward it. Last evaluated 2017-06-29.

Conditions:
Breast-ovarian cancer, familial, susceptibility to, 2 (BROVCA2). Also called: BRCA2 Hereditary Breast and Ovarian Cancer. Identifiers: Orphanet 145, MedGen C2675520, MONDO:0012933, OMIM 612555. Disease mechanism: loss of function.

Submissions (2):

Evidence-based Network for the Interpretation of Germline Mutant Alleles (ENIGMA)
Classification: Likely benign for Breast-ovarian cancer, familial, susceptibility to, 2. Last evaluated: 2017-06-29. Review status: reviewed by expert panel. Criteria: ENIGMA BRCA1/2 Classification Criteria (2017-06-29). Collection method: curation. Allele origin: germline.
Comment: Synonymous substitution variant, with low bioinformatic likelihood to result in a splicing aberration (Splicing prior probability 0.02).

Breast Cancer Information Core (BIC) (BRCA2)
Classification: Uncertain significance for Breast-ovarian cancer, familial 2. Last evaluated: 2003-01-24. Review status: no assertion criteria provided. Collection method: clinical testing. Allele origin: germline. Affected: yes. Observed: 1 variant allele. Not counted in ClinVar's aggregate classification.

NM_000059.4(BRCA2):c.549T>C (p.Ser183=)

Gene: BRCA2 (BRCA2 DNA repair associated; plus strand). Cytogenetic location: 13q13.1.
Variant type: single nucleotide variant.
Coding change: c.549T>C on transcript NM_000059.4 (MANE Select); coding-DNA position 549, T replaced by C.
Protein change: p.Ser183=; no amino-acid change (serine 183 retained).
Molecular consequence: synonymous variant.
Genome position (GRCh38, 1-based): chr13:32,326,531, T>C. VCF-style: chr13-32326531-T-C. GRCh37 (hg19) VCF-style: chr13-32900668-T-C.
Other names: S183S.
Identifiers: ClinVar variation 51872 (VCV000051872.3), dbSNP rs80359792, ClinGen allele CA022459.